The following is an entry in ClinVar:

NM_182493.3(MYLK3):c.626C>A (p.Ala209Glu)

Gene: MYLK3 (myosin light chain kinase 3; minus strand). Cytogenetic location: 16q11.2.
Variant type: single nucleotide variant.
Coding change: c.626C>A on transcript NM_182493.3 (MANE Select); coding-DNA position 626, C replaced by A.
Protein change: p.Ala209Glu; replaces alanine 209 with glutamic acid.
Molecular consequence: missense variant. On other transcripts: intron variant (1).
Genome position (GRCh38, 1-based): chr16:46,738,086, G>T on the plus strand (C>A on the coding strand, the complement: MYLK3 is on the minus strand). VCF-style: chr16-46738086-G-T. GRCh37 (hg19) VCF-style: chr16-46771998-G-T.
Other names: c.-23+1971C>A (NM_001308301.1); short protein forms A209E.
Identifiers: ClinVar variation 2988205 (VCV002988205.3), dbSNP rs752745921, ClinGen allele CA8038181.

ClinVar aggregate classification (germline): Uncertain significance (1 of 4 stars; one submission).

Allele frequency attached by ClinVar (database versions not stated): ExAC 0.00002.
gnomAD v4.1: 5 of 1,594,868 alleles (0.00031%); highest among the groups gnomAD compares: Non-Finnish European, 0.00043%; no homozygotes.

Submission:

Labcorp Genetics (formerly Invitae), Labcorp
Classification: Uncertain significance. Last evaluated: 2025-11-26. Review status: criteria provided, single submitter. Criteria: Invitae Variant Classification Sherloc (09022015). Collection method: clinical testing. Allele origin: germline.
Comment: This sequence change replaces alanine, which is neutral and non-polar, with glutamic acid, which is acidic and polar, at codon 209 of the MYLK3 protein (p.Ala209Glu). The frequency data for this variant in the population databases is considered unreliable, as metrics indicate poor data quality at this position in the gnomAD database. This variant has not been reported in the literature in individuals affected with MYLK3-related conditions. ClinVar contains an entry for this variant (Variation ID: 2988205). An algorithm developed to predict the effect of missense changes on protein structure and function (PolyPhen-2) suggests that this variant is likely to be tolerated. In summary, the available evidence is currently insufficient to determine the role of this variant in disease. Therefore, it has been classified as a Variant of Uncertain Significance.